The following is an entry in ClinVar:

NM_001082486.2(ACD):c.587A>T (p.Glu196Val)

Gene: ACD (ACD shelterin complex subunit and telomerase recruitment factor; minus strand). Cytogenetic location: 16q22.1.
Variant type: single nucleotide variant.
Coding change: c.587A>T on transcript NM_001082486.2 (MANE Select); coding-DNA position 587, A replaced by T.
Protein change: p.Glu196Val; replaces glutamic acid 196 with valine.
Molecular consequence: missense variant.
Genome position (GRCh38, 1-based): chr16:67,658,986, T>A on the plus strand (A>T on the coding strand, the complement: ACD is on the minus strand). VCF-style: chr16-67658986-T-A. GRCh37 (hg19) VCF-style: chr16-67692889-T-A.
Other names: c.587A>T, p.Glu196Val (NM_001410884.1); c.578A>T, p.Glu193Val (NM_022914.3); short protein forms E193V, E196V.
Identifiers: ClinVar variation 1763450 (VCV001763450.8), dbSNP rs1400523803, ClinGen allele CA396354074.

ClinVar aggregate classification (germline): Uncertain significance. Review status: criteria provided, multiple submitters, no conflicts (2 of 4 stars). 2 submissions from 2 submitters: Uncertain significance (2). Last evaluated 2024-08-25.

Conditions:
Inborn genetic diseases. Identifiers: MedGen C0950123, MeSH D030342.
Dyskeratosis congenita, autosomal dominant 6 (DKCA6). Identifiers: Orphanet 3322, MedGen C4225284, MONDO:0014690, OMIM 616553.

Allele frequency attached by ClinVar (database versions not stated): TOPMed below 0.00001; gnomAD 0.00001.
gnomAD v4.1: 12 of 1,613,752 alleles (0.00074%); highest among the groups gnomAD compares: Non-Finnish European, 0.00085%; no homozygotes.

Submissions (2):

Ambry Genetics
Classification: Uncertain significance for Inborn genetic diseases. Last evaluated: 2024-08-25. Review status: criteria provided, single submitter. Criteria: Ambry Variant Classification Scheme 2023. Collection method: clinical testing. Allele origin: germline.
Comment: The p.E282V variant (also known as c.845A>T), located in coding exon 7 of the ACD gene, results from an A to T substitution at nucleotide position 845. The glutamic acid at codon 282 is replaced by valine, an amino acid with dissimilar properties. This amino acid position is conserved. In addition, this alteration is predicted to be tolerated by in silico analysis. Since supporting evidence is limited at this time, the clinical significance of this alteration remains unclear.

Labcorp Genetics (formerly Invitae), Labcorp
Classification: Uncertain significance for Dyskeratosis congenita, autosomal dominant 6. Last evaluated: 2022-03-24. Review status: criteria provided, single submitter. Criteria: Invitae Variant Classification Sherloc (09022015). Collection method: clinical testing. Allele origin: germline.
Comment: In summary, the available evidence is currently insufficient to determine the role of this variant in disease. Therefore, it has been classified as a Variant of Uncertain Significance. Algorithms developed to predict the effect of missense changes on protein structure and function (SIFT, PolyPhen-2, Align-GVGD) all suggest that this variant is likely to be tolerated. This variant has not been reported in the literature in individuals affected with ACD-related conditions. This variant is present in population databases (no rsID available, gnomAD 0.0009%). This sequence change replaces glutamic acid, which is acidic and polar, with valine, which is neutral and non-polar, at codon 282 of the ACD protein (p.Glu282Val).